The following is an entry in ClinVar:

NM_001385641.1(SAMD11):c.1853T>G (p.Leu618Arg)

Gene: SAMD11 (sterile alpha motif domain containing 11; plus strand). Cytogenetic location: 1p36.33.
Variant type: single nucleotide variant.
Coding change: c.1853T>G on transcript NM_001385641.1 (MANE Select); coding-DNA position 1853, T replaced by G.
Protein change: p.Leu618Arg; replaces leucine 618 with arginine.
Molecular consequence: missense variant.
Genome position (GRCh38, 1-based): chr1:942,858, T>G. VCF-style: chr1-942858-T-G. GRCh37 (hg19) VCF-style: chr1-878238-T-G.
Other names: c.1856T>G, p.Leu619Arg (NM_001385640.1); c.1364T>G, p.Leu455Arg (NM_152486.4); short protein forms L455R, L619R, L618R.
Identifiers: ClinVar variation 1485920 (VCV001485920.6), dbSNP rs2100360593, ClinGen allele CA337811639.

ClinVar aggregate classification (germline): Uncertain significance (1 of 4 stars; one submission).

Submission:

Labcorp Genetics (formerly Invitae), Labcorp
Classification: Uncertain significance. Last evaluated: 2021-10-11. Review status: criteria provided, single submitter. Criteria: Invitae Variant Classification Sherloc (09022015). Collection method: clinical testing. Allele origin: germline.
Comment: This variant has not been reported in the literature in individuals affected with SAMD11-related conditions. In summary, the available evidence is currently insufficient to determine the role of this variant in disease. Therefore, it has been classified as a Variant of Uncertain Significance. Algorithms developed to predict the effect of missense changes on protein structure and function are either unavailable or do not agree on the potential impact of this missense change (SIFT: "Deleterious"; PolyPhen-2: "Benign"; Align-GVGD: "Class C0"). The frequency data for this variant in the population databases is considered unreliable, as metrics indicate insufficient coverage at this position in the ExAC database. This sequence change replaces leucine with arginine at codon 455 of the SAMD11 protein (p.Leu455Arg). The leucine residue is moderately conserved and there is a moderate physicochemical difference between leucine and arginine.